The following is an entry in ClinVar:

ClinVar aggregate classification (germline): Likely benign. Review status: criteria provided, single submitter (1 of 4 stars). 2 submissions from 2 submitters: Likely benign (1). 1 of the submissions does not count toward it. Last evaluated 2026-08-01.

Conditions:
ALKBH8-related disorder. Also called: ALKBH8-related condition.

Allele frequency attached by ClinVar (database versions not stated): 1000 Genomes Project 30x 0.00172; 1000 Genomes Project 0.00180; TOPMed 0.00255; ExAC 0.00286; ESP Exome Variant Server 0.00307; gnomAD 0.00326; gnomAD exomes 0.00391.
gnomAD v4.1: 5,956 of 1,551,832 alleles (0.38%); highest among the groups gnomAD compares: Non-Finnish European, 0.45%; 24 homozygotes.

Submissions (2):

CeGaT Center for Human Genetics Tuebingen
Classification: Likely benign. Last evaluated: 2026-08-01. Review status: criteria provided, single submitter. Criteria: CeGaT Center For Human Genetics Tuebingen Variant Classification Criteria Version 2. Collection method: clinical testing. Allele origin: germline. Affected: yes. Observed: 35 variant alleles.
Comment: ALKBH8: BP4, BS2

PreventionGenetics, part of Exact Sciences
Classification: Likely benign for ALKBH8-related condition. Last evaluated: 2019-11-22. Review status: no assertion criteria provided. Collection method: clinical testing. Allele origin: germline. Not counted in ClinVar's aggregate classification.
Comment: This variant is classified as likely benign based on ACMG/AMP sequence variant interpretation guidelines (Richards et al. 2015 PMID: 25741868, with internal and published modifications).

NM_138775.3(ALKBH8):c.1700G>A (p.Gly567Glu)

Gene: ALKBH8 (alkB homolog 8, tRNA methyltransferase; minus strand). Cytogenetic location: 11q22.3.
Variant type: single nucleotide variant.
Coding change: c.1700G>A on transcript NM_138775.3 (MANE Select); coding-DNA position 1700, G replaced by A.
Protein change: p.Gly567Glu; replaces glycine 567 with glutamic acid.
Molecular consequence: missense variant. On other transcripts: non-coding transcript variant (6).
Genome position (GRCh38, 1-based): chr11:107,504,953, C>T on the plus strand (G>A on the coding strand, the complement: ALKBH8 is on the minus strand). VCF-style: chr11-107504953-C-T. GRCh37 (hg19) VCF-style: chr11-107375679-C-T.
Other names: c.1700G>A, p.Gly567Glu (NM_001301010.3); c.1550G>A, p.Gly517Glu (NM_001378133.1); c.1709G>A (NM_001301010.1); short protein forms G517E, G567E.
Identifiers: ClinVar variation 2498532 (VCV002498532.29), dbSNP rs188662625, ClinGen allele CA6261002.